The following is an entry in ClinVar:

ClinVar aggregate classification (germline): Pathogenic. Review status: criteria provided, multiple submitters, no conflicts (2 of 4 stars). 4 submissions from 4 submitters: Pathogenic (3). 1 of the submissions does not count toward it. Last evaluated 2025-12-13.

Conditions:
Cardiovascular phenotype. Identifiers: MedGen CN230736.
Hypertrophic cardiomyopathy. Also called: HYPERTROPHIC MYOCARDIOPATHY. Identifiers: Orphanet 217569, MedGen C0007194, MeSH D002312, MONDO:0005045, HP:0001639.

Submissions (4):

Labcorp Genetics (formerly Invitae), Labcorp
Classification: Pathogenic for Hypertrophic cardiomyopathy. Last evaluated: 2025-12-13. Review status: criteria provided, single submitter. Criteria: Invitae Variant Classification Sherloc (09022015). Collection method: clinical testing. Allele origin: germline.
Comment: This sequence change creates a premature translational stop signal (p.Glu567Glyfs*4) in the MYBPC3 gene. It is expected to result in an absent or disrupted protein product. Loss-of-function variants in MYBPC3 are known to be pathogenic (PMID: 19574547). This variant is not present in population databases (gnomAD no frequency). This premature translational stop signal has been observed in individual(s) with hypertrophic cardiomyopathy (PMID: 15519027, 18957093, 27532257). This variant is also known as del ga (C566 fs/3), c.1699_1700delGA, and c.1699_1670delGA. ClinVar contains an entry for this variant (Variation ID: 181072). For these reasons, this variant has been classified as Pathogenic.

Ambry Genetics
Classification: Pathogenic for Cardiovascular phenotype. Last evaluated: 2025-04-17. Review status: criteria provided, single submitter. Criteria: Ambry Variant Classification Scheme 2023. Collection method: clinical testing. Allele origin: germline.
Comment: The c.1700_1701delAG pathogenic mutation, located in coding exon 18 of the MYBPC3 gene, results from a deletion of two nucleotides at nucleotide positions 1700 to 1701, causing a translational frameshift with a predicted alternate stop codon (p.E567Gfs*4). This variant has been reported in association with hypertrophic cardiomyopathy (HCM) (Burkart V et al. J Mol Cell Cardiol, 2023 Dec;185:26-37; van Driest SL et al. J Am Coll Cardiol, 2004 Nov;44:1903-10; Ehlermann P et al. BMC Med Genet, 2008 Oct;9:95; Walsh R et al. Genet Med, 2017 Feb;19:192-203). This variant is considered to be rare based on population cohorts in the Genome Aggregation Database (gnomAD). In addition to the clinical data presented in the literature, this alteration is expected to result in loss of function by premature protein truncation or nonsense-mediated mRNA decay. As such, this alteration is interpreted as a disease-causing mutation.

GeneDx
Classification: Pathogenic. Last evaluated: 2025-04-07. Review status: criteria provided, single submitter. Criteria: GeneDx Variant Classification Process June 2021. Collection method: clinical testing. Allele origin: germline. Affected: yes.
Comment: Not observed at significant frequency in large population cohorts (gnomAD); Frameshift variant predicted to result in protein truncation or nonsense mediated decay in a gene for which loss-of-function is a known mechanism of disease; Also known as C566 fs/3 and c.1699_1700delGA; This variant is associated with the following publications: (PMID: 19808356, 24510615, 15519027, 27532257, 34542152, 37652022, 18957093)

Laboratory for Molecular Medicine, Mass General Brigham Personalized Medicine
Classification: Pathogenic for Hypertrophic cardiomyopathy. Last evaluated: 2013-03-04. Review status: no assertion criteria provided. Collection method: clinical testing. Allele origin: germline. Inheritance: Autosomal dominant inheritance. Observed: 3 variant alleles. Not counted in ClinVar's aggregate classification.
Comment: proposed classification - variant undergoing re-assessment, contact laboratory

Literature cited by the submitters: PubMed 19574547 (cited by Labcorp Genetics (formerly Invitae), Labcorp); PubMed 15519027 (cited by 3 submitters); PubMed 18957093 (cited by Labcorp Genetics (formerly Invitae), Labcorp and Ambry Genetics); PubMed 27532257 (cited by Labcorp Genetics (formerly Invitae), Labcorp and Ambry Genetics); PubMed 37797718 (cited by Ambry Genetics).

NM_000256.3(MYBPC3):c.1700_1701del (p.Glu567fs)

Gene: MYBPC3 (myosin binding protein C3; minus strand). Cytogenetic location: 11p11.2.
Variant type: Deletion.
Coding change: c.1700_1701del on transcript NM_000256.3 (MANE Select); coding-DNA positions 1700 to 1701, 2 bases deleted (AG; older notation c.1700_1701delAG).
Protein change: p.Glu567fs; shifts the reading frame from glutamic acid 567.
Molecular consequence: frameshift variant.
Genome position (GRCh38, 1-based): chr11:47,342,080-47,342,081, CT deleted on the plus strand (AG on the coding strand, the reverse complement: MYBPC3 is on the minus strand); deleting any 2 consecutive bases within chr11:47,342,080-47,342,082 gives the same sequence; the c. name uses the placement nearest the transcript's 3' end. VCF-style (leftmost placement, unchanged base first): chr11-47342079-CCT-C. GRCh37 (hg19) VCF-style: chr11-47363630-CCT-C.
Other names: c.1700_1701delAG (NM_000256.3); c.1699_1700delGA (NM_000256.3); short protein forms E567fs.
Identifiers: ClinVar variation 181072 (VCV000181072.20), dbSNP rs727503197, ClinGen allele CA010952.